The following is an entry in ClinVar:

ClinVar aggregate classification (germline): Uncertain significance (1 of 4 stars; one submission).

gnomAD v4.1: 7 of 1,465,208 alleles (0.00048%); highest among the groups gnomAD compares: East Asian, 0.003%; no homozygotes.

Submission:

Ambry Genetics
Classification: Uncertain significance. Last evaluated: 2024-12-06. Review status: criteria provided, single submitter. Criteria: Ambry Variant Classification Scheme 2023. Collection method: clinical testing. Allele origin: germline.
Comment: The p.I119V variant (also known as c.355A>G), located in coding exon 4 of the RAD51B gene, results from an A to G substitution at nucleotide position 355. The isoleucine at codon 119 is replaced by valine, an amino acid with highly similar properties. This amino acid position is conserved. In addition, this alteration is predicted to be tolerated by in silico analysis. Based on the available evidence, the clinical significance of this variant remains unclear.

NM_133510.4(RAD51B):c.355A>G (p.Ile119Val)

Gene: RAD51B (RAD51 paralog B; plus strand). Cytogenetic location: 14q24.1.
Variant type: single nucleotide variant.
Coding change: c.355A>G on transcript NM_133510.4 (MANE Select); coding-DNA position 355, A replaced by G.
Protein change: p.Ile119Val; replaces isoleucine 119 with valine.
Molecular consequence: missense variant. On other transcripts: 5 prime UTR variant (1).
Genome position (GRCh38, 1-based): chr14:67,865,042, A>G. VCF-style: chr14-67865042-A-G. GRCh37 (hg19) VCF-style: chr14-68331759-A-G.
Other names: c.355A>G, p.Ile119Val (NM_001321809.2, NM_001321810.2, NM_001321812.1 and 6 more transcripts); c.241A>G, p.Ile81Val (NM_001321815.1); c.-3A>G (NM_001321817.2); short protein forms I81V, I119V.
Identifiers: ClinVar variation 3429669 (VCV003429669.1).
Genomic context (GRCh38, chr14:67,865,042, plus strand): 5'-TTTTTTTTTTTTTTTTTTTAGATTACAGGTCCACCAGGTTGTGGAAAAACTCAGTTTTGT[A>G]TAATGATGAGCATTTTGGCTACATTACCCACCAACATGGGAGGATTAGAAGGAGCTGTGG-3'
Protein context (NP_598194.1, residues 109-129): PPGCGKTQFC[Ile119Val]MMSILATLPT